The following is an entry in ClinVar:

ClinVar aggregate classification (germline): Benign/Likely benign. Review status: criteria provided, multiple submitters, no conflicts (2 of 4 stars). 5 submissions from 5 submitters: Benign (1); Likely benign (4). Last evaluated 2026-01-30.

Conditions:
Glomerulopathy with fibronectin deposits 2 (GFND2). Identifiers: Orphanet 84090, MedGen C1866075, MONDO:0011165, OMIM 601894.
Spondylometaphyseal dysplasia - Sutcliffe type. Also called: Spondylometaphyseal Dysplasia, Corner Fracture Type; Spondylometaphyseal dysplasia, 'corner fracture' type; Sutcliffe type of spondylometaphyseal dysplasia; Sutcliffe SMD. Identifiers: Orphanet 93315, MedGen C0432221, MONDO:0008479, OMIM 184255.

Allele frequency attached by ClinVar (database versions not stated): 1000 Genomes Project 0.00040; 1000 Genomes Project 30x 0.00047; ESP Exome Variant Server 0.00077; TOPMed 0.00087; gnomAD exomes 0.00098 and 0.00124; gnomAD 0.00109 and 0.00113; ExAC 0.00120.
gnomAD v4.1: 1,947 of 1,614,046 alleles (0.12%); highest among the groups gnomAD compares: Non-Finnish European, 0.15%; 6 homozygotes.

Submissions (5):

Labcorp Genetics (formerly Invitae), Labcorp
Classification: Benign. Last evaluated: 2026-01-30. Review status: criteria provided, single submitter. Criteria: Invitae Variant Classification Sherloc (09022015). Collection method: clinical testing. Allele origin: germline.

CeGaT Center for Human Genetics Tuebingen
Classification: Likely benign. Last evaluated: 2025-12-01. Review status: criteria provided, single submitter. Criteria: CeGaT Center For Human Genetics Tuebingen Variant Classification Criteria Version 2. Collection method: clinical testing. Allele origin: germline. Affected: yes. Observed: 4 variant alleles.
Comment: FN1: BP4, BP7

Laboratory of Genetics, Children's Clinical University Hospital Latvia
Classification: Likely benign. Last evaluated: 2025-02-16. Review status: criteria provided, single submitter. Criteria: ACMG Guidelines, 2015. Collection method: clinical testing. Allele origin: germline. Affected: yes.

Blueprint Genetics
Classification: Likely benign. Last evaluated: 2024-11-26. Review status: criteria provided, single submitter. Criteria: ACMG Guidelines, 2015. Collection method: clinical testing. Allele origin: germline.

Fulgent Genetics
Classification: Likely benign for Spondylometaphyseal dysplasia - Sutcliffe type; Glomerulopathy with fibronectin deposits 2. Last evaluated: 2021-08-09. Review status: criteria provided, single submitter. Criteria: ACMG Guidelines, 2015. Collection method: clinical testing. Allele origin: unknown.

NM_212482.4(FN1):c.2130C>T (p.Thr710=)

Gene: FN1 (fibronectin 1; minus strand). Cytogenetic location: 2q35.
Variant type: single nucleotide variant.
Coding change: c.2130C>T on transcript NM_212482.4 (MANE Select); coding-DNA position 2130, C replaced by T.
Protein change: p.Thr710=; no amino-acid change (threonine 710 retained).
Molecular consequence: synonymous variant.
Genome position (GRCh38, 1-based): chr2:215,409,732, G>A on the plus strand (C>T on the coding strand, the complement: FN1 is on the minus strand). VCF-style: chr2-215409732-G-A. GRCh37 (hg19) VCF-style: chr2-216274455-G-A.
Other names: c.2130C>T, p.Thr710= (NM_001306129.2, NM_001306130.2, NM_001306131.2 and 13 more transcripts).
Identifiers: ClinVar variation 735841 (VCV000735841.37), dbSNP rs140116931, ClinGen allele CA2095058.